The following is an entry in ClinVar:

ClinVar aggregate classification (germline): Uncertain significance (1 of 4 stars; one submission).

Allele frequency attached by ClinVar (database versions not stated): gnomAD exomes below 0.00001; ExAC 0.00001; gnomAD 0.00001.
gnomAD v4.1: 2 of 1,612,750 alleles (0.00012%); highest among the groups gnomAD compares: Admixed American, 0.0017%; no homozygotes.

Submission:

Labcorp Genetics (formerly Invitae), Labcorp
Classification: Uncertain significance. Last evaluated: 2022-05-31. Review status: criteria provided, single submitter. Criteria: Invitae Variant Classification Sherloc (09022015). Collection method: clinical testing. Allele origin: germline.
Comment: This sequence change replaces threonine, which is neutral and polar, with isoleucine, which is neutral and non-polar, at codon 397 of the IMPG1 protein (p.Thr397Ile). The frequency data for this variant in the population databases is considered unreliable, as metrics indicate poor data quality at this position in the gnomAD database. This variant has not been reported in the literature in individuals affected with IMPG1-related conditions. Algorithms developed to predict the effect of missense changes on protein structure and function (SIFT, PolyPhen-2, Align-GVGD) all suggest that this variant is likely to be tolerated. In summary, the available evidence is currently insufficient to determine the role of this variant in disease. Therefore, it has been classified as a Variant of Uncertain Significance.

NM_001563.4(IMPG1):c.1190C>T (p.Thr397Ile)

Gene: IMPG1 (interphotoreceptor matrix proteoglycan 1; minus strand). Cytogenetic location: 6q14.1.
Variant type: single nucleotide variant.
Coding change: c.1190C>T on transcript NM_001563.4 (MANE Select); coding-DNA position 1190, C replaced by T.
Protein change: p.Thr397Ile; replaces threonine 397 with isoleucine.
Molecular consequence: missense variant.
Genome position (GRCh38, 1-based): chr6:76,003,896, G>A on the plus strand (C>T on the coding strand, the complement: IMPG1 is on the minus strand). VCF-style: chr6-76003896-G-A. GRCh37 (hg19) VCF-style: chr6-76713613-G-A.
Other names: c.956C>T, p.Thr319Ile (NM_001282368.2); short protein forms T319I, T397I.
Identifiers: ClinVar variation 2116886 (VCV002116886.4), dbSNP rs759107266, ClinGen allele CA3898207.